The following is an entry in ClinVar:

ClinVar aggregate classification (germline): Uncertain significance (1 of 4 stars; one submission).

Conditions:
Leukemia, chronic lymphocytic, susceptibility to, 3. Also called: Leukemia, chronic lymphocytic 3. Identifiers: Orphanet 67038, MedGen C2675516, MONDO:0012934, OMIM 612557.
Charcot-Marie-Tooth disease type 4J (CMT4J). Also called: CHARCOT-MARIE-TOOTH DISEASE, AUTOSOMAL RECESSIVE, TYPE 4J; Charcot-Marie-Tooth Neuropathy Type 4J; CHARCOT-MARIE-TOOTH DISEASE, DEMYELINATING, TYPE 4J. Identifiers: Orphanet 139515, MedGen C1970011, MONDO:0012640, OMIM 611228.

gnomAD v4.1: 1 of 1,610,192 alleles (0.000062%); highest among the groups gnomAD compares: South Asian, 0.0011%; no homozygotes.

Submission:

Kariminejad - Najmabadi Pathology & Genetics Center
Classification: Uncertain significance for Charcot-Marie-Tooth disease type 4J; Leukemia, chronic lymphocytic, susceptibility to, 3. Last evaluated: 2024-05-18. Review status: criteria provided, single submitter. Criteria: ACMG Guidelines, 2015. Collection method: clinical testing. Allele origin: germline. Inheritance: Autosomal dominant inheritance. Affected: yes.
Comment: PM2

NM_014845.6(FIG4):c.352G>T (p.Asp118Tyr)

Gene: FIG4 (FIG4 phosphoinositide 5-phosphatase; plus strand). Cytogenetic location: 6q21.
Variant type: single nucleotide variant.
Coding change: c.352G>T on transcript NM_014845.6 (MANE Select); coding-DNA position 352, G replaced by T.
Protein change: p.Asp118Tyr; replaces aspartic acid 118 with tyrosine.
Molecular consequence: missense variant.
Genome position (GRCh38, 1-based): chr6:109,727,171, G>T. VCF-style: chr6-109727171-G-T. GRCh37 (hg19) VCF-style: chr6-110048374-G-T.
Other names: short protein forms D118Y.
Identifiers: ClinVar variation 3896869 (VCV003896869.1).